The following is an entry in ClinVar:

NM_203446.3(SYNJ1):c.*643A>C

Gene: SYNJ1 (synaptojanin 1; minus strand). Cytogenetic location: 21q22.11.
Variant type: single nucleotide variant.
Coding change: c.*643A>C on transcript NM_203446.3 (MANE Select); 643 bases downstream of the stop codon, A replaced by C.
Molecular consequence: 3 prime UTR variant. On other transcripts: missense variant (2).
Genome position (GRCh38, 1-based): chr21:32,631,162, T>G on the plus strand (A>C on the coding strand, the complement: SYNJ1 is on the minus strand). VCF-style: chr21-32631162-T-G. GRCh37 (hg19) VCF-style: chr21-34003472-T-G.
Other names: c.*643A>C (NM_001160302.2); c.4414A>C, p.Asn1472His (NM_001160306.2); c.4672A>C, p.Asn1558His (NM_003895.4); short protein forms N1558H, N1472H.
Identifiers: ClinVar variation 1491370 (VCV001491370.8), dbSNP rs1245480307, ClinGen allele CA410081126.

ClinVar aggregate classification (germline): Uncertain significance (1 of 4 stars; one submission).

Conditions:
Developmental and epileptic encephalopathy, 53. Also called: Epileptic encephalopathy, early infantile, 53. Identifiers: MedGen C4479313, MONDO:0033362, OMIM 617389.
Early-onset Parkinson disease 20. Also called: PARKINSON DISEASE 20, AUTOSOMAL RECESSIVE EARLY-ONSET. Identifiers: Orphanet 391411, MedGen C3809824, MONDO:0014233, OMIM 615530.

Allele frequency attached by ClinVar (database versions not stated): gnomAD exomes below 0.00001; TOPMed 0.00001.
gnomAD v4.1: 4 of 1,614,088 alleles (0.00025%); highest among the groups gnomAD compares: Non-Finnish European, 0.00034%; no homozygotes.

Submission:

Labcorp Genetics (formerly Invitae), Labcorp
Classification: Uncertain significance for Developmental and epileptic encephalopathy, 53; Early-onset Parkinson disease 20. Last evaluated: 2022-01-14. Review status: criteria provided, single submitter. Criteria: Invitae Variant Classification Sherloc (09022015). Collection method: clinical testing. Allele origin: germline.
Comment: In summary, the available evidence is currently insufficient to determine the role of this variant in disease. Therefore, it has been classified as a Variant of Uncertain Significance. Algorithms developed to predict the effect of missense changes on protein structure and function (SIFT, PolyPhen-2, Align-GVGD) all suggest that this variant is likely to be tolerated. This variant has not been reported in the literature in individuals affected with SYNJ1-related conditions. This variant is present in population databases (no rsID available, gnomAD 0.0009%). This sequence change replaces asparagine, which is neutral and polar, with histidine, which is basic and polar, at codon 1558 of the SYNJ1 protein (p.Asn1558His).